The following is an entry in ClinVar:

NM_001368067.1(LDB3):c.361C>T (p.Arg121Cys)

Genes: LDB3 (LIM domain binding 3; plus strand), LOC110121486 (VISTA enhancer hs2143; plus strand). Cytogenetic location: 10q23.2.
Variant type: single nucleotide variant.
Coding change: c.361C>T on transcript NM_001368067.1 (MANE Plus Clinical); coding-DNA position 361, C replaced by T.
Protein change: p.Arg121Cys; replaces arginine 121 with cysteine.
Molecular consequence: missense variant. On other transcripts: intron variant (5).
Genome position (GRCh38, 1-based): chr10:86,687,085, C>T. VCF-style: chr10-86687085-C-T. GRCh37 (hg19) VCF-style: chr10-88446842-C-T.
Other names: c.361C>T, p.Arg121Cys (NM_001080114.2, NM_001080116.1, NM_001368066.1 and 1 more transcripts); c.706C>T, p.Arg236Cys (NM_001171610.2, NM_001171611.2); c.690-4811C>T (NM_001368064.1, NM_001368063.1, NM_007078.3 and 2 more transcripts); short protein forms R236C, R121C.
Identifiers: ClinVar variation 658316 (VCV000658316.14), dbSNP rs750606592, ClinGen allele CA5584807.

ClinVar aggregate classification (germline): Uncertain significance. Review status: criteria provided, multiple submitters, no conflicts (2 of 4 stars). 4 submissions from 4 submitters: Uncertain significance (4). Last evaluated 2025-02-19.

Conditions:
Myofibrillar myopathy 4. Also called: Zaspopathy (type). Identifiers: Orphanet 98912, MedGen C4721886, MONDO:0012277, OMIM 609452.

Allele frequency attached by ClinVar (database versions not stated): ExAC 0.00001; gnomAD exomes 0.00001 and below 0.00001; TOPMed 0.00001; gnomAD 0.00002.
gnomAD v4.1: 22 of 1,614,010 alleles (0.0014%); highest among the groups gnomAD compares: Non-Finnish European, 0.0016%; no homozygotes.

Submissions (4):

Women's Health and Genetics/Laboratory Corporation of America, LabCorp
Classification: Uncertain significance. Last evaluated: 2025-02-19. Review status: criteria provided, single submitter. Criteria: LabCorp Variant Classification Summary - May 2015. Collection method: clinical testing. Allele origin: germline.
Comment: Variant summary: LDB3 c.690-4811C>T (also known as c.361C>T/p.Arg121Cys in NM_001080116) is located at a position not widely known to affect splicing. Two of two in-silico tools predict a benign effect of the variant on protein function. Consensus agreement among computation tools predict no significant impact on normal splicing. However, these predictions have yet to be confirmed by functional studies. The variant allele was found at a frequency of 4e-06 in 249306 control chromosomes (gnomAD). The available data on variant occurrences in the general population are insufficient to allow any conclusion about variant significance. c.690-4811C>T has been reported in the literature in at least one individual affected with ventricular tachycardia (Guelly_2021). The report does not provide unequivocal conclusions about association of the variant with Hypertrophic Cardiomyopathy. To our knowledge, no experimental evidence demonstrating an impact on protein function has been reported. The following publication have been ascertained in the context of this evaluation (PMID: 33552729). ClinVar contains an entry for this variant (Variation ID: 658316). Based on the evidence outlined above, the variant was classified as uncertain significance.

Labcorp Genetics (formerly Invitae), Labcorp
Classification: Uncertain significance for Myofibrillar myopathy 4. Last evaluated: 2024-08-19. Review status: criteria provided, single submitter. Criteria: Invitae Variant Classification Sherloc (09022015). Collection method: clinical testing. Allele origin: germline.
Comment: This sequence change replaces arginine, which is basic and polar, with cysteine, which is neutral and slightly polar, at codon 121 of the LDB3 protein (p.Arg121Cys). This variant is present in population databases (rs750606592, gnomAD 0.0009%). This variant has not been reported in the literature in individuals affected with LDB3-related conditions. ClinVar contains an entry for this variant (Variation ID: 658316). An algorithm developed to predict the effect of missense changes on protein structure and function (PolyPhen-2) suggests that this variant is likely to be disruptive. In summary, the available evidence is currently insufficient to determine the role of this variant in disease. Therefore, it has been classified as a Variant of Uncertain Significance.

Revvity Omics, Revvity
Classification: Uncertain significance. Last evaluated: 2023-08-30. Review status: criteria provided, single submitter. Criteria: ACMG Guidelines, 2015. Collection method: clinical testing. Allele origin: germline.

Blueprint Genetics
Classification: Uncertain significance. Last evaluated: 2021-05-25. Review status: criteria provided, single submitter. Criteria: ACMG Guidelines, 2015. Collection method: clinical testing. Allele origin: germline.

Literature cited by the submitters: PubMed 33552729 (cited by Women's Health and Genetics/Laboratory Corporation of America, LabCorp).